The following is an entry in ClinVar:

ClinVar aggregate classification (germline): Uncertain significance (1 of 4 stars; one submission).

Allele frequency attached by ClinVar (database versions not stated): gnomAD 0.00002; 1000 Genomes Project 30x 0.00016; ExAC 0.00042.

Submission:

Labcorp Genetics (formerly Invitae), Labcorp
Classification: Uncertain significance. Last evaluated: 2023-04-10. Review status: criteria provided, single submitter. Criteria: Invitae Variant Classification Sherloc (09022015). Collection method: clinical testing. Allele origin: germline.
Comment: In summary, the available evidence is currently insufficient to determine the role of this variant in disease. Therefore, it has been classified as a Variant of Uncertain Significance. An algorithm developed to predict the effect of missense changes on protein structure and function (PolyPhen-2) suggests that this variant is likely to be tolerated. This variant has not been reported in the literature in individuals affected with NKX2-1-related conditions. This variant is present in population databases (rs745510380, gnomAD 0.02%). This sequence change replaces glycine, which is neutral and non-polar, with aspartic acid, which is acidic and polar, at codon 314 of the NKX2-1 protein (p.Gly314Asp).

NM_001079668.3(NKX2-1):c.941G>A (p.Gly314Asp)

Genes: NKX2-1 (NK2 homeobox 1; minus strand), SFTA3 (surfactant associated 3; minus strand). Cytogenetic location: 14q13.3.
Variant type: single nucleotide variant.
Coding change: c.941G>A on transcript NM_001079668.3 (MANE Select); coding-DNA position 941, G replaced by A.
Protein change: p.Gly314Asp; replaces glycine 314 with aspartic acid.
Molecular consequence: missense variant.
Genome position (GRCh38, 1-based): chr14:36,517,543, C>T on the plus strand (G>A on the coding strand, the complement: NKX2-1 is on the minus strand). VCF-style: chr14-36517543-C-T. GRCh37 (hg19) VCF-style: chr14-36986748-C-T.
Other names: c.851G>A, p.Gly284Asp (NM_003317.4); short protein forms G284D, G314D.
Identifiers: ClinVar variation 2961633 (VCV002961633.3), dbSNP rs745510380, ClinGen allele CA7158434.
Genomic context (GRCh38, chr14:36,517,543, plus strand): 5'-ATGGCCGCTGCCGCCGCCTGCGCGGCCTGCGCCTGGTGCTGCGCCTGCTGCTGCGCGTGG[C>T]CTTGTAGGCTGGCGGCGCCCGGCGCGGGGGCACCCGCCTGGCACGGTTTGCCGTCTTTCA-3'
Protein context (NP_001073136.1, residues 304-324): APAPGAASLQ[Gly314Asp]HAQQQAQHQA